The following is an entry in ClinVar:

NM_001267550.2(TTN):c.31505C>T (p.Ser10502Leu)

Gene: TTN (titin; minus strand). Cytogenetic location: 2q31.2.
Variant type: single nucleotide variant.
Coding change: c.31505C>T on transcript NM_001267550.2 (MANE Select); coding-DNA position 31505, C replaced by T.
Protein change: p.Ser10502Leu; replaces serine 10502 with leucine.
Molecular consequence: missense variant. On other transcripts: intron variant (3).
Genome position (GRCh38, 1-based): chr2:178,693,930, G>A on the plus strand (C>T on the coding strand, the complement: TTN is on the minus strand). VCF-style: chr2-178693930-G-A. GRCh37 (hg19) VCF-style: chr2-179558657-G-A.
Other names: c.30554C>T, p.Ser10185Leu (NM_001256850.1); c.27773C>T, p.Ser9258Leu (NM_133378.4); c.13282+44152C>T (NM_003319.4); c.13858+44152C>T (NM_133437.4); c.13657+44152C>T (NM_133432.3); short protein forms S10502L, S9258L, S10185L.
Identifiers: ClinVar variation 497025 (VCV000497025.12), dbSNP rs768632287, ClinGen allele CA1998943.
Genomic context (GRCh38, chr2:178,693,930, plus strand): 5'-ATCTGCCTAAAACCCTTCCATTTGAGCCCCCACATTCCAGTTTGCCTTATACCTGTGACT[G>A]ACACCTCCTCCTCTGTGTGAGAAGCAAAGAACATCTTTTCTTCTGAAATAACCATCTTCT-3'
Protein context (NP_001254479.2, residues 10492-10512): FFASHTEEEV[Ser10502Leu]VTVPEVQKEI

ClinVar aggregate classification (germline): Conflicting classifications of pathogenicity. Review status: criteria provided, conflicting classifications (1 of 4 stars). 5 submissions from 5 submitters: Uncertain significance (3); Likely benign (2). Last evaluated 2025-05-06.

Conditions:
TTN-related disorder. Also called: TTN-related condition; TTN-related disease; TTN-related disorders.

Allele frequency attached by ClinVar (database versions not stated): gnomAD below 0.00001 and 0.00007; TOPMed below 0.00001; gnomAD exomes 0.00008 and 0.00013; ExAC 0.00013.
gnomAD v4.1: 131 of 1,612,642 alleles (0.0081%); highest among the groups gnomAD compares: South Asian, 0.14%; no homozygotes.

Submissions (5):

PreventionGenetics, part of Exact Sciences
Classification: Uncertain significance for TTN-related condition. Last evaluated: 2025-05-06. Review status: criteria provided, single submitter. Criteria: ACMG Guidelines, 2015. Collection method: clinical testing. Allele origin: germline.
Comment: The TTN c.31505C>T variant is predicted to result in the amino acid substitution p.Ser10502Leu. To our knowledge, this variant has not been reported in the literature. This variant is reported in 0.11% of alleles in individuals of South Asian descent in gnomAD, which is likely too common for an undocumented disease-causing variant. Although we suspect that this variant may be benign, at this time, the clinical significance of this variant is uncertain due to the absence of conclusive functional and genetic evidence.

Revvity Omics, Revvity
Classification: Uncertain significance. Last evaluated: 2020-03-26. Review status: criteria provided, single submitter. Criteria: ACMG Guidelines, 2015. Collection method: clinical testing. Allele origin: germline.

Women's Health and Genetics/Laboratory Corporation of America, LabCorp
Classification: Likely benign. Last evaluated: 2020-01-06. Review status: criteria provided, single submitter. Criteria: LabCorp Variant Classification Summary - May 2015. Collection method: clinical testing. Allele origin: germline.
Comment: Variant summary: TTN c.27773C>T (p.Ser9258Leu) results in a non-conservative amino acid change located in the I-band region of the encoded protein sequence. Three of five in-silico tools predict a benign effect of the variant on protein function. The variant allele was found at a frequency of 0.00013 in 248210 control chromosomes, predominantly at a frequency of 0.0011 within the South Asian subpopulation in the gnomAD database. The observed variant frequency within South Asian control individuals in the gnomAD database is approximately 1.76- fold the estimated maximal expected allele frequency for a pathogenic variant in TTN causing Cardiomyopathy phenotype (0.00063), suggesting that the variant is a benign polymorphism found primarily in populations of South Asian origin. To our knowledge, no occurrence of c.27773C>T in individuals affected with Cardiomyopathy and no experimental evidence demonstrating an impact on protein function have been reported. Two other clinical diagnostic laboratories have submitted clinical-significance assessments for this variant to ClinVar after 2014 without evidence for independent evaluation. One laboratory cited the variant as likely benign, and one laboratory cited the variant as uncertain significance. Based on the evidence outlined above, the variant was classified as likely benign.

GeneDx
Classification: Likely benign. Last evaluated: 2018-05-07. Review status: criteria provided, single submitter. Criteria: GeneDx Variant Classification (06012015). Collection method: clinical testing. Allele origin: germline. Affected: yes.
Comment: This variant is considered likely benign or benign based on one or more of the following criteria: it is a conservative change, it occurs at a poorly conserved position in the protein, it is predicted to be benign by multiple in silico algorithms, and/or has population frequency not consistent with disease.

Eurofins Ntd Llc (ga)
Classification: Uncertain significance. Last evaluated: 2017-02-28. Review status: criteria provided, single submitter. Criteria: EGL Classification Definitions 2015. Collection method: clinical testing. Allele origin: germline. Observed: 2 variant alleles, 2 heterozygotes.